The following is an entry in ClinVar:

NM_017672.6(TRPM7):c.2412G>C (p.Gln804His)

Gene: TRPM7 (transient receptor potential cation channel subfamily M member 7; minus strand). Cytogenetic location: 15q21.2.
Variant type: single nucleotide variant.
Coding change: c.2412G>C on transcript NM_017672.6 (MANE Select); coding-DNA position 2412, G replaced by C.
Protein change: p.Gln804His; replaces glutamine 804 with histidine.
Molecular consequence: missense variant. On other transcripts: non-coding transcript variant (3).
Genome position (GRCh38, 1-based): chr15:50,609,830, C>G on the plus strand (G>C on the coding strand, the complement: TRPM7 is on the minus strand). VCF-style: chr15-50609830-C-G. GRCh37 (hg19) VCF-style: chr15-50902027-C-G.
Other names: c.2412G>C, p.Gln804His (NM_001301212.2); short protein forms Q804H.
Identifiers: ClinVar variation 4530915 (VCV004530915.1).
Genomic context (GRCh38, chr15:50,609,830, plus strand): 5'-AAACTTATATTTACTTTAAAATGTTTTCCTGCTTACCATGGGGATCTCTTCTGTTATGTT[C>G]TGAAAGTTGTTTTCGCTGTCATCCATTGTCATCTGATGAGCATCTTGAGATTGTGGGATA-3'
Protein context (NP_060142.3, residues 794-814): MTMDDSENNF[Gln804His]NITEEIPMEV

ClinVar aggregate classification (germline): Uncertain significance (1 of 4 stars; one submission).

Submission:

GeneDx
Classification: Uncertain significance. Last evaluated: 2025-05-19. Review status: criteria provided, single submitter. Criteria: GeneDx Variant Classification Process June 2021. Collection method: clinical testing. Allele origin: germline. Affected: yes.
Comment: Not observed at significant frequency in large population cohorts (gnomAD); In silico analysis suggests that this missense variant does not alter protein structure/function; Has not been previously published as pathogenic or benign to our knowledge